The following is an entry in ClinVar:

NM_007194.4(CHEK2):c.344T>C (p.Phe115Ser)

Gene: CHEK2 (checkpoint kinase 2; minus strand). Cytogenetic location: 22q12.1.
Variant type: single nucleotide variant.
Coding change: c.344T>C on transcript NM_007194.4 (MANE Select); coding-DNA position 344, T replaced by C.
Protein change: p.Phe115Ser; replaces phenylalanine 115 with serine.
Molecular consequence: missense variant.
Genome position (GRCh38, 1-based): chr22:28,725,343, A>G on the plus strand (T>C on the coding strand, the complement: CHEK2 is on the minus strand). VCF-style: chr22-28725343-A-G. GRCh37 (hg19) VCF-style: chr22-29121331-A-G.
Other names: c.473T>C, p.Phe158Ser (NM_001005735.3); c.-434T>C (NM_001257387.3); c.344T>C, p.Phe115Ser (NM_001349956.3, NM_145862.3); short protein forms F115S, F158S.
Identifiers: ClinVar variation 410040 (VCV000410040.15), dbSNP rs1060502706, ClinGen allele CA16616346.

ClinVar aggregate classification (germline): Uncertain significance. Review status: criteria provided, multiple submitters, no conflicts (2 of 4 stars). 2 submissions from 2 submitters: Uncertain significance (2). Last evaluated 2023-01-24.

Conditions:
Hereditary cancer-predisposing syndrome. Also called: Tumor predisposition; Hereditary Cancer Syndrome; Hereditary neoplastic syndrome; Neoplastic Syndromes, Hereditary. Identifiers: Orphanet 140162, MedGen C0027672, MeSH D009386, MONDO:0015356.
Familial cancer of breast. Also called: BREAST CANCER, FAMILIAL; Hereditary breast cancer; hereditary breast carcinoma. Identifiers: Orphanet 227535, MedGen C0346153, MONDO:0016419, OMIM 114480. Disease mechanism: loss of function.

gnomAD v4.1: 1 of 1,614,092 alleles (0.000062%); highest among the groups gnomAD compares: Non-Finnish European, 0.000085%; no homozygotes.

Submissions (2):

Labcorp Genetics (formerly Invitae), Labcorp
Classification: Uncertain significance for Familial cancer of breast. Last evaluated: 2023-01-24. Review status: criteria provided, single submitter. Criteria: Invitae Variant Classification Sherloc (09022015). Collection method: clinical testing. Allele origin: germline.
Comment: This sequence change replaces phenylalanine, which is neutral and non-polar, with serine, which is neutral and polar, at codon 115 of the CHEK2 protein (p.Phe115Ser). This variant is not present in population databases (gnomAD no frequency). This variant has not been reported in the literature in individuals affected with CHEK2-related conditions. ClinVar contains an entry for this variant (Variation ID: 410040). Algorithms developed to predict the effect of missense changes on protein structure and function (SIFT, PolyPhen-2, Align-GVGD) all suggest that this variant is likely to be disruptive. In summary, the available evidence is currently insufficient to determine the role of this variant in disease. Therefore, it has been classified as a Variant of Uncertain Significance.

Color Diagnostics, LLC DBA Color Health
Classification: Uncertain significance for Hereditary cancer-predisposing syndrome. Last evaluated: 2018-12-13. Review status: criteria provided, single submitter. Criteria: ACMG Guidelines, 2015. Collection method: clinical testing. Allele origin: germline.